The following is an entry in ClinVar:

ClinVar aggregate classification (germline): Benign. Review status: criteria provided, multiple submitters, no conflicts (2 of 4 stars). 4 submissions from 4 submitters: Benign (3). 1 of the submissions does not count toward it. Last evaluated 2026-02-03.

Conditions:
Epilepsy. Also called: Seizure disorder. Identifiers: MedGen C0014544, MeSH D004827, MONDO:0005027.
PIGQ-related disorder. Also called: PIGQ-related condition.

Allele frequency attached by ClinVar (database versions not stated): gnomAD exomes 0.00131 and 0.00344; ExAC 0.00391; ESP Exome Variant Server 0.00631; gnomAD 0.00656 and 0.00658; TOPMed 0.00668; 1000 Genomes Project 30x 0.01156; 1000 Genomes Project 0.01238.
gnomAD v4.1: 2,967 of 1,612,302 alleles (0.18%); highest among the groups gnomAD compares: African/African-American, 2%; 40 homozygotes.

Submissions (4):

Labcorp Genetics (formerly Invitae), Labcorp
Classification: Benign for Epilepsy. Last evaluated: 2026-02-03. Review status: criteria provided, single submitter. Criteria: Invitae Variant Classification Sherloc (09022015). Collection method: clinical testing. Allele origin: germline.

Mayo Clinic Laboratories, Mayo Clinic
Classification: Benign. Last evaluated: 2022-07-07. Review status: criteria provided, single submitter. Criteria: ACMG Guidelines, 2015. Collection method: clinical testing. Allele origin: germline. Observed: 2 variant alleles.
Comment: BS1, BS2, BP4, BP7

Breakthrough Genomics
Classification: Benign. Review status: criteria provided, single submitter. Criteria: ACMG Guidelines, 2015. Collection method: not provided. Allele origin: germline. Inheritance: Autosomal recessive inheritance. Affected: yes.

PreventionGenetics, part of Exact Sciences
Classification: Benign for PIGQ-related condition. Last evaluated: 2019-07-12. Review status: no assertion criteria provided. Collection method: clinical testing. Allele origin: germline. Not counted in ClinVar's aggregate classification.
Comment: This variant is classified as benign based on ACMG/AMP sequence variant interpretation guidelines (Richards et al. 2015 PMID: 25741868, with internal and published modifications).

NM_004204.5(PIGQ):c.75G>A (p.Pro25=)

Gene: PIGQ (phosphatidylinositol glycan anchor biosynthesis class Q; plus strand). Cytogenetic location: 16p13.3.
Variant type: single nucleotide variant.
Coding change: c.75G>A on transcript NM_004204.5 (MANE Select); coding-DNA position 75, G replaced by A.
Protein change: p.Pro25=; no amino-acid change (proline 25 retained).
Molecular consequence: synonymous variant.
Genome position (GRCh38, 1-based): chr16:574,149, G>A. VCF-style: chr16-574149-G-A. GRCh37 (hg19) VCF-style: chr16-624149-G-A.
Other names: p.Pro25=; c.75G>A, p.Pro25= (NM_148920.4); c.75G>A (NM_004204.4).
Identifiers: ClinVar variation 456053 (VCV000456053.16), dbSNP rs56293456, ClinGen allele CA7779776.